The following is an entry in ClinVar:

NM_001164508.2(NEB):c.22500C>T (p.Phe7500=)

Genes: NEB (nebulin; minus strand), RIF1 (replication timing regulatory factor 1; plus strand). Cytogenetic location: 2q23.3.
Variant type: single nucleotide variant.
Coding change: c.22500C>T on transcript NM_001164508.2 (MANE Select); coding-DNA position 22500, C replaced by T.
Protein change: p.Phe7500=; no amino-acid change (phenylalanine 7500 retained).
Molecular consequence: synonymous variant.
Genome position (GRCh38, 1-based): chr2:151,519,748, G>A on the plus strand (C>T on the coding strand, the complement: NEB is on the minus strand). VCF-style: chr2-151519748-G-A. GRCh37 (hg19) VCF-style: chr2-152376262-G-A.
Other names: c.22500C>T, p.Phe7500= (NM_001164507.2); c.22605C>T, p.Phe7535= (NM_001271208.2); c.17397C>T, p.Phe5799= (NM_004543.5); c.22605C>T (NM_001271208.1).
Identifiers: ClinVar variation 1125970 (VCV001125970.11), dbSNP rs772294501, ClinGen allele CA1906621.

ClinVar aggregate classification (germline): Likely benign. Review status: criteria provided, single submitter (1 of 4 stars). 2 submissions from 2 submitters: Likely benign (1). 1 of the submissions does not count toward it. Last evaluated 2025-07-15.

Conditions:
Nemaline myopathy 2 (NEM2). Also called: Nemaline myopathy 2, autosomal recessive. Identifiers: MedGen C1850569, MONDO:0009725, OMIM 256030.
NEB-related disorder. Also called: NEB-Related Disorders; NEB-related condition.

Allele frequency attached by ClinVar (database versions not stated): gnomAD exomes 0.00001 and 0.00002; ExAC 0.00002; TOPMed 0.00002; gnomAD 0.00003 and 0.00004.
gnomAD v4.1: 18 of 1,610,878 alleles (0.0011%); highest among the groups gnomAD compares: East Asian, 0.0045%; no homozygotes.

Submissions (2):

Labcorp Genetics (formerly Invitae), Labcorp
Classification: Likely benign for Nemaline myopathy 2. Last evaluated: 2025-07-15. Review status: criteria provided, single submitter. Criteria: Invitae Variant Classification Sherloc (09022015). Collection method: clinical testing. Allele origin: germline.

PreventionGenetics, part of Exact Sciences
Classification: Likely benign for NEB-related condition. Last evaluated: 2022-03-16. Review status: no assertion criteria provided. Collection method: clinical testing. Allele origin: germline. Not counted in ClinVar's aggregate classification.
Comment: This variant is classified as likely benign based on ACMG/AMP sequence variant interpretation guidelines (Richards et al. 2015 PMID: 25741868, with internal and published modifications).